The following is an entry in ClinVar:

ClinVar aggregate classification (germline): Uncertain significance. Review status: criteria provided, multiple submitters, no conflicts (2 of 4 stars). 3 submissions from 3 submitters: Uncertain significance (3). Last evaluated 2025-04-25.

Allele frequency attached by ClinVar (database versions not stated): gnomAD 0.00001; gnomAD exomes 0.00002; TOPMed 0.00003; ExAC 0.00008; 1000 Genomes Project 30x 0.00016; 1000 Genomes Project 0.00020.
gnomAD v4.1: 32 of 1,603,198 alleles (0.002%); highest among the groups gnomAD compares: Admixed American, 0.023%; no homozygotes.

Submissions (3):

Labcorp Genetics (formerly Invitae), Labcorp
Classification: Uncertain significance. Last evaluated: 2025-04-25. Review status: criteria provided, single submitter. Criteria: Invitae Variant Classification Sherloc (09022015). Collection method: clinical testing. Allele origin: germline.
Comment: This sequence change replaces threonine, which is neutral and polar, with alanine, which is neutral and non-polar, at codon 317 of the DCDC1 protein (p.Thr317Ala). This variant is present in population databases (rs201039841, gnomAD 0.03%). This variant has not been reported in the literature in individuals affected with DCDC1-related conditions. ClinVar contains an entry for this variant (Variation ID: 2387120). An algorithm developed to predict the effect of missense changes on protein structure and function outputs the following: PolyPhen-2: "Benign". The alanine amino acid residue is found in multiple mammalian species, which suggests that this missense change does not adversely affect protein function. In summary, the available evidence is currently insufficient to determine the role of this variant in disease. Therefore, it has been classified as a Variant of Uncertain Significance.

CeGaT Center for Human Genetics Tuebingen
Classification: Uncertain significance. Last evaluated: 2024-03-01. Review status: criteria provided, single submitter. Criteria: CeGaT Center For Human Genetics Tuebingen Variant Classification Criteria Version 2. Collection method: clinical testing. Allele origin: germline. Affected: yes. Observed: 1 variant allele.
Comment: DCDC1: PM2

Ambry Genetics
Classification: Uncertain significance. Last evaluated: 2021-09-01. Review status: criteria provided, single submitter. Criteria: Ambry Variant Classification Scheme 2023. Collection method: clinical testing. Allele origin: germline.

NM_001387274.1(DCDC1):c.949A>G (p.Thr317Ala)

Gene: DCDC1 (doublecortin domain containing 1; minus strand). Cytogenetic location: 11p13.
Variant type: single nucleotide variant.
Coding change: c.949A>G on transcript NM_001387274.1 (MANE Select); coding-DNA position 949, A replaced by G.
Protein change: p.Thr317Ala; replaces threonine 317 with alanine.
Molecular consequence: missense variant.
Genome position (GRCh38, 1-based): chr11:31,290,658, T>C on the plus strand (A>G on the coding strand, the complement: DCDC1 is on the minus strand). VCF-style: chr11-31290658-T-C. GRCh37 (hg19) VCF-style: chr11-31312205-T-C.
Other names: c.949A>G, p.Thr317Ala (NM_001367979.1, NM_181807.4); short protein forms T317A.
Identifiers: ClinVar variation 2387120 (VCV002387120.24), dbSNP rs201039841, ClinGen allele CA5932492.